The following is an entry in ClinVar:

NM_000245.4(MET):c.1702-15A>C

Gene: MET (MET proto-oncogene, receptor tyrosine kinase; plus strand). Cytogenetic location: 7q31.2.
Variant type: single nucleotide variant.
Coding change: c.1702-15A>C on transcript NM_000245.4 (MANE Select); 15 bases into the intron before coding-DNA position 1702, A replaced by C.
Molecular consequence: intron variant.
Genome position (GRCh38, 1-based): chr7:116,755,340, A>C. VCF-style: chr7-116755340-A-C. GRCh37 (hg19) VCF-style: chr7-116395394-A-C.
Other names: c.1702-15A>C (NM_001127500.3, NM_001324401.3); c.412-15A>C (NM_001324402.2).
Identifiers: ClinVar variation 1634884 (VCV001634884.9), dbSNP rs200635057, ClinGen allele CA577680642.

ClinVar aggregate classification (germline): Likely benign. Review status: criteria provided, multiple submitters, no conflicts (2 of 4 stars). 2 submissions from 2 submitters: Likely benign (2). Last evaluated 2025-12-14.

Conditions:
Renal cell carcinoma. Identifiers: Orphanet 217071, MedGen C0007134, MeSH D002292, MONDO:0005086, HP:0005584.
Papillary renal cell carcinoma type 1 (RCCP1). Also called: Renal adenocarcinoma; Renal cell carcinoma 1; Renal cell carcinoma, somatic; RENAL CELL CARCINOMA, PAPILLARY, 1, SOMATIC. Identifiers: Orphanet 47044, MedGen C1336839, OMIM 605074, HP:0011797.

gnomAD v4.1: 14 of 1,613,754 alleles (0.00087%); highest among the groups gnomAD compares: Non-Finnish European, 0.0012%; no homozygotes.

Submissions (2):

Labcorp Genetics (formerly Invitae), Labcorp
Classification: Likely benign for Renal cell carcinoma. Last evaluated: 2025-12-14. Review status: criteria provided, single submitter. Criteria: Invitae Variant Classification Sherloc (09022015). Collection method: clinical testing. Allele origin: germline.

Myriad Genetics, Inc.
Classification: Likely benign for Papillary renal cell carcinoma type 1. Last evaluated: 2024-11-07. Review status: criteria provided, single submitter. Criteria: Myriad Autosomal Dominant, Autosomal Recessive and X-Linked Classification Criteria (2023). Collection method: clinical testing. Allele origin: unknown.
Comment: This variant is considered likely benign. This variant is intronic and is not expected to impact mRNA splicing.